The following is an entry in ClinVar:

NM_021930.6(RINT1):c.246A>G (p.Thr82=)

Gene: RINT1 (RAD50 interactor 1; plus strand). Cytogenetic location: 7q22.3.
Variant type: single nucleotide variant.
Coding change: c.246A>G on transcript NM_021930.6 (MANE Select); coding-DNA position 246, A replaced by G.
Protein change: p.Thr82=; no amino-acid change (threonine 82 retained).
Molecular consequence: synonymous variant. On other transcripts: 5 prime UTR variant (3), non-coding transcript variant (1), intron variant (1).
Genome position (GRCh38, 1-based): chr7:105,536,722, A>G. VCF-style: chr7-105536722-A-G. GRCh37 (hg19) VCF-style: chr7-105177169-A-G.
Other names: c.-774A>G (NM_001346600.2); c.-677A>G (NM_001346601.2); c.-297A>G (NM_001346603.2); c.39+110A>G (NM_001346599.2).
Identifiers: ClinVar variation 1047150 (VCV001047150.8), dbSNP rs1790251395, ClinGen allele CA457050438.

ClinVar aggregate classification (germline): Uncertain significance (1 of 4 stars; one submission).

Allele frequency attached by ClinVar (database versions not stated): gnomAD exomes below 0.00001.
gnomAD v4.1: 1 of 1,600,448 alleles (0.000062%); highest among the groups gnomAD compares: Non-Finnish European, 0.000085%; no homozygotes.

Submission:

Labcorp Genetics (formerly Invitae), Labcorp
Classification: Uncertain significance. Last evaluated: 2017-09-16. Review status: criteria provided, single submitter. Criteria: Invitae Variant Classification Sherloc (09022015). Collection method: clinical testing. Allele origin: germline.
Comment: In summary, the available evidence is currently insufficient to determine the role of this variant in disease. Therefore, it has been classified as a Variant of Uncertain Significance. Algorithms developed to predict the effect of sequence changes on RNA splicing suggest that this variant may create or strengthen a splice site, but this prediction has not been confirmed by published transcriptional studies. This variant has not been reported in the literature in individuals with RINT1-related disease. This variant is not present in population databases (ExAC no frequency). This sequence change affects codon 82 of the RINT1 mRNA. It is a 'silent' change, meaning that it does not change the encoded amino acid sequence of the RINT1 protein.